The following is an entry in ClinVar:

NM_024334.3(TMEM43):c.704A>C (p.Glu235Ala)

Gene: TMEM43 (transmembrane protein 43; plus strand). Cytogenetic location: 3p25.1.
Variant type: single nucleotide variant.
Coding change: c.704A>C on transcript NM_024334.3 (MANE Select); coding-DNA position 704, A replaced by C.
Protein change: p.Glu235Ala; replaces glutamic acid 235 with alanine.
Molecular consequence: missense variant.
Genome position (GRCh38, 1-based): chr3:14,134,890, A>C. VCF-style: chr3-14134890-A-C. GRCh37 (hg19) VCF-style: chr3-14176390-A-C.
Other names: short protein forms E235A.
Identifiers: ClinVar variation 927337 (VCV000927337.13), dbSNP rs751419150, ClinGen allele CA054911.

ClinVar aggregate classification (germline): Uncertain significance. Review status: criteria provided, multiple submitters, no conflicts (2 of 4 stars). 4 submissions from 4 submitters: Uncertain significance (4). Last evaluated 2025-10-08.

Conditions:
Cardiovascular phenotype. Identifiers: MedGen CN230736.
Arrhythmogenic right ventricular dysplasia 5. Also called: Arrhythmogenic Right Ventricular Dysplasia/Cardiomyopathy 5; ARRHYTHMOGENIC RIGHT VENTRICULAR DYSPLASIA, FAMILIAL, 5. Identifiers: MedGen C1858379, MONDO:0011459, OMIM 604400.
Auditory neuropathy, autosomal dominant 3 (AUNA3). Identifiers: MedGen C5676964, MONDO:0859235, OMIM 619832.
Emery-Dreifuss muscular dystrophy 7, autosomal dominant (EDMD7). Also called: Emery-Dreifuss muscular dystrophy 7, AD. Identifiers: Orphanet 261, MedGen C3553060, MONDO:0013677, OMIM 614302.
Cardiomyopathy (CMYO). Also called: Cardiomyopathies. Identifiers: Orphanet 167848, MedGen C0878544, MONDO:0004994, HP:0001638. Inheritance: Various modes of inheritance.

Allele frequency attached by ClinVar (database versions not stated): ExAC 0.00001; gnomAD 0.00001; TOPMed 0.00003.
gnomAD v4.1: 3 of 1,613,942 alleles (0.00019%); highest among the groups gnomAD compares: African/African-American, 0.0027%; no homozygotes.

Submissions (4):

Labcorp Genetics (formerly Invitae), Labcorp
Classification: Uncertain significance for Arrhythmogenic right ventricular dysplasia 5. Last evaluated: 2025-10-08. Review status: criteria provided, single submitter. Criteria: Invitae Variant Classification Sherloc (09022015). Collection method: clinical testing. Allele origin: germline.
Comment: This sequence change replaces glutamic acid, which is acidic and polar, with alanine, which is neutral and non-polar, at codon 235 of the TMEM43 protein (p.Glu235Ala). This variant is present in population databases (rs751419150, gnomAD 0.007%). This variant has not been reported in the literature in individuals affected with TMEM43-related conditions. ClinVar contains an entry for this variant (Variation ID: 927337). An algorithm developed to predict the effect of missense changes on protein structure and function (PolyPhen-2) suggests that this variant is likely to be tolerated. Algorithms developed to predict the effect of sequence changes on RNA splicing suggest that this variant may disrupt the consensus splice site. In summary, the available evidence is currently insufficient to determine the role of this variant in disease. Therefore, it has been classified as a Variant of Uncertain Significance.

Ambry Genetics
Classification: Uncertain significance for Cardiovascular phenotype. Last evaluated: 2023-01-19. Review status: criteria provided, single submitter. Criteria: Ambry Variant Classification Scheme 2023. Collection method: clinical testing. Allele origin: germline.
Comment: The p.E235A variant (also known as c.704A>C), located in coding exon 8 of the TMEM43 gene, results from an A to C substitution at nucleotide position 704. The glutamic acid at codon 235 is replaced by alanine, an amino acid with dissimilar properties. This amino acid position is conserved. In addition, the in silico prediction for this alteration is inconclusive. Since supporting evidence is limited at this time, the clinical significance of this alteration remains unclear.

Fulgent Genetics
Classification: Uncertain significance for Arrhythmogenic right ventricular dysplasia 5; Emery-Dreifuss muscular dystrophy 7, autosomal dominant; Auditory neuropathy, autosomal dominant 3. Last evaluated: 2021-08-11. Review status: criteria provided, single submitter. Criteria: ACMG Guidelines, 2015. Collection method: clinical testing. Allele origin: unknown.

Color Diagnostics, LLC DBA Color Health
Classification: Uncertain significance for Cardiomyopathy. Last evaluated: 2019-05-15. Review status: criteria provided, single submitter. Criteria: ACMG Guidelines, 2015. Collection method: clinical testing. Allele origin: germline.
Comment: This missense variant replaces glutamic acid with alanine at codon 235 of the TMEM43 protein. Computational prediction tools and conservation analyses are inconclusive regarding the impact of this variant on the protein function. Computational splicing tools suggest that this variant may not impact RNA splicing. To our knowledge, functional assays have not been performed for this variant nor has this variant been reported in individuals affected with cardiovascular disorders in the literature. This variant has not been identified in the general population by the Genome Aggregation Database (gnomAD). Available evidence is insufficient to determine the role of this variant in disease conclusively. Therefore, this variant is classified as a Variant of Uncertain Significance.